The following is an entry in ClinVar:

ClinVar aggregate classification (germline): Benign. Review status: criteria provided, multiple submitters, no conflicts (2 of 4 stars). 2 submissions from 2 submitters: Benign (2). Last evaluated 2018-01-13.

Conditions:
Immunodeficiency 67. Also called: Immunodeficiency due to interleukin-1 receptor-associated kinase-4 deficiency. Identifiers: Orphanet 70592, MedGen C1843256, MONDO:0011888, OMIM 607676.

Allele frequency attached by ClinVar (database versions not stated): gnomAD exomes 0.11111; gnomAD 0.23274 and 0.23988; TOPMed 0.24944; 1000 Genomes Project 0.26897; 1000 Genomes Project 30x 0.27670.
gnomAD v4.1: 34,939 of 150,892 alleles (23%); highest among the groups gnomAD compares: African/African-American, 52%; 6,437 homozygotes.

Submissions (2):

Illumina Laboratory Services, Illumina
Classification: Benign for Immunodeficiency 67. Last evaluated: 2018-01-13. Review status: criteria provided, single submitter. Criteria: ICSL Variant Classification Criteria 13 December 2019. Collection method: clinical testing. Allele origin: germline.
Comment: This variant was observed in the ICSL laboratory as part of a predisposition screen in an ostensibly healthy population. It had not been previously curated by ICSL or reported in the Human Gene Mutation Database (HGMD: prior to June 1st, 2018), and was therefore a candidate for classification through an automated scoring system. Utilizing variant allele frequency, disease prevalence and penetrance estimates, and inheritance mode, an automated score was calculated to assess if this variant is too frequent to cause the disease. Based on the score and internal cut-off values, a variant classified as benign is not then subjected to further curation. The score for this variant resulted in a classification of benign for this disease.

Breakthrough Genomics
Classification: Benign. Review status: criteria provided, single submitter. Criteria: ACMG Guidelines, 2015. Collection method: not provided. Allele origin: germline. Inheritance: Autosomal recessive inheritance. Affected: yes.

NM_016123.4(IRAK4):c.*1794T>C

Gene: IRAK4 (interleukin 1 receptor associated kinase 4; plus strand). Cytogenetic location: 12q12.
Variant type: single nucleotide variant.
Coding change: c.*1794T>C on transcript NM_016123.4 (MANE Select); 1794 bases downstream of the stop codon, T replaced by C.
Molecular consequence: 3 prime UTR variant.
Genome position (GRCh38, 1-based): chr12:43,788,509, T>C. VCF-style: chr12-43788509-T-C. GRCh37 (hg19) VCF-style: chr12-44182312-T-C.
Other names: c.*1794T>C (NM_001114182.3, NM_001145256.2, NM_001145257.2 and 9 more transcripts).
Identifiers: ClinVar variation 308754 (VCV000308754.6), dbSNP rs4251555, ClinGen allele CA10632794.